The following is an entry in ClinVar:

ClinVar aggregate classification (germline): Uncertain significance (1 of 4 stars; one submission).

Allele frequency attached by ClinVar (database versions not stated): TOPMed 0.00001.
gnomAD v4.1: 19 of 1,609,754 alleles (0.0012%); highest among the groups gnomAD compares: Non-Finnish European, 0.0014%; no homozygotes.

Submission:

New York Genome Center
Classification: Uncertain significance. Last evaluated: 2020-09-23. Review status: criteria provided, single submitter. Criteria: NYGC Assertion Criteria 2020. Collection method: clinical testing. Allele origin: germline. Affected: yes. Observed: 1 heterozygote. Study: CSER-NYCKidSeq.
Comment: The heterozygous c.937C>T (p.Pro313Ser) variant has not been reported in the available literature in individuals affected with DSCAM-associated disorder. The variant is absent from gnomAD(v3) database indicating it is an extremely rare allele in populations represented in this database. The c.937C>T (p.Pro313Ser) variant is located in exon 6 (of 33), three nucleotides upstream of exon-intron junction. The affected nucleotide as well as the corresponding amino acid residue is revolutionarily conserved. In Silico prediction tools provide conflicting interpretations about potential pathogenicity of this variant. Based on the available evidence, the p.Pro313Ser variant in the DSCAM gene is assessed as a variant of uncertain significance.

NM_001389.5(DSCAM):c.937C>T (p.Pro313Ser)

Gene: DSCAM (DS cell adhesion molecule; minus strand). Cytogenetic location: 21q22.2.
Variant type: single nucleotide variant.
Coding change: c.937C>T on transcript NM_001389.5 (MANE Select); coding-DNA position 937, C replaced by T.
Protein change: p.Pro313Ser; replaces proline 313 with serine.
Molecular consequence: missense variant. On other transcripts: non-coding transcript variant (1).
Genome position (GRCh38, 1-based): chr21:40,347,943, G>A on the plus strand (C>T on the coding strand, the complement: DSCAM is on the minus strand). VCF-style: chr21-40347943-G-A. GRCh37 (hg19) VCF-style: chr21-41719870-G-A.
Other names: c.937C>T, p.Pro313Ser (NM_001271534.3); short protein forms P313S.
Identifiers: ClinVar variation 1213721 (VCV001213721.1), dbSNP rs753192585, ClinGen allele CA320975823.
Genomic context (GRCh38, chr21:40,347,943, plus strand): 5'-AGGAAACTTGGCTACCCACGCTGCTTTTAACCTTCCTGGGACTGATGGTGGCTTTCAGTG[G>A]CTCTGGAGGTTTTAGTAAGAGAGAGAGAAAAAAGATAAAAACATCACTAGATAGCATTTC-3'
Protein context (NP_001380.2, residues 303-323): KVIGRLYVKQ[Pro313Ser]LKATISPRKV